The following is an entry in ClinVar:

ClinVar aggregate classification (germline): Pathogenic/Likely pathogenic. Review status: criteria provided, multiple submitters, no conflicts (2 of 4 stars). 7 submissions from 7 submitters: Pathogenic (4); Likely pathogenic (1). 2 of the submissions do not count toward it. Last evaluated 2026-04-10.

Conditions:
Landau-Kleffner syndrome (FESD). Also called: APHASIA, ACQUIRED, WITH EPILEPSY; EPILEPSY, FOCAL, WITH SPEECH DISORDER AND WITH OR WITHOUT MENTAL RETARDATION. Identifiers: Orphanet 1945, Orphanet 725, Orphanet 98818, MedGen C0282512, MONDO:0009509, OMIM 245570.
Epilepsy. Also called: Seizure disorder. Identifiers: MedGen C0014544, MeSH D004827, MONDO:0005027.

Allele frequency attached by ClinVar (database versions not stated): gnomAD exomes below 0.00001.

Submissions (7):

Clinical Genetics Laboratory, Skane University Hospital Lund
Classification: Pathogenic for Epilepsy. Last evaluated: 2026-04-10. Review status: criteria provided, single submitter. Criteria: ACMG Guidelines, 2015. Collection method: clinical testing. Allele origin: germline. Affected: yes.
Comment: Applied ACMG criteria: PS2_supporting, PS3, PS4, PM2, PM5, PP3.

Dasa
Classification: Pathogenic. Last evaluated: 2025-08-22. Review status: criteria provided, single submitter. Criteria: DASA Assertion Criteria. Collection method: clinical testing. Allele origin: germline.
Comment: NM_001134407.3(GRIN2A):c.1553G>A (p.Arg518His) is a missense variant that results in the substitution of arginine with histidine. The affected residue or protein region has prior evidence supporting clinical relevance. Functional evidence supports a deleterious effect on the gene or gene product (PMID: 23933820; PMID: 24828792; PMID: 30544257; PMID: 27839871; PMID: 28611597). This variant has been recurrently observed in individuals with related phenotype (PMID: 23933820; PMID: 24828792; PMID: 30544257; PMID: 27839871; PMID: 28611597). Multiple computational predictions support a deleterious effect on the gene or gene product. The variant is present at low frequency in population datasets. Based on the available data, this variant is classified as pathogenic.

Labcorp Genetics (formerly Invitae), Labcorp
Classification: Pathogenic for Landau-Kleffner syndrome. Last evaluated: 2025-03-19. Review status: criteria provided, single submitter. Criteria: Invitae Variant Classification Sherloc (09022015). Collection method: clinical testing. Allele origin: germline.
Comment: This sequence change replaces arginine, which is basic and polar, with histidine, which is basic and polar, at codon 518 of the GRIN2A protein (p.Arg518His). This variant is not present in population databases (gnomAD no frequency). This missense change has been observed in individuals with Landau-Kleffner syndrome and verbal dyspraxia, atypical Rolandic epilepsy, and continuous spike and wave during slow-wave sleep syndrome (PMID: 23933820, 24828792). It has also been observed to segregate with disease in related individuals. ClinVar contains an entry for this variant (Variation ID: 88732). Invitae Evidence Modeling of protein sequence and biophysical properties (such as structural, functional, and spatial information, amino acid conservation, physicochemical variation, residue mobility, and thermodynamic stability) indicates that this missense variant is expected to disrupt GRIN2A protein function with a positive predictive value of 95%. Experimental studies have shown that this missense change affects GRIN2A function (PMID: 23933820, 27839871). This variant disrupts the p.Arg518 amino acid residue in GRIN2A. Other variant(s) that disrupt this residue have been determined to be pathogenic (internal data). This suggests that this residue is clinically significant, and that variants that disrupt this residue are likely to be disease-causing. For these reasons, this variant has been classified as Pathogenic.

GeneDx
Classification: Pathogenic. Last evaluated: 2023-01-20. Review status: criteria provided, single submitter. Criteria: GeneDx Variant Classification Process June 2021. Collection method: clinical testing. Allele origin: germline. Affected: yes.
Comment: Reported previously in a family with verbal dyspraxia, atypical Rolandic epilepsy, and continuous spike and wave during slow-wave sleep syndrome, and in an individual with Landau-Kleffner syndrome (Lesca et al., 2013; Conroy et al., 2014); Published functional studies show that the R518H variant impacts NMDA receptor function (Lesca et al., 2013; Sibarov et al., 2017)); Not observed at significant frequency in large population cohorts (gnomAD); In silico analysis supports that this missense variant has a deleterious effect on protein structure/function; This variant is associated with the following publications: (PMID: 24828792, no PMID, 23933820, 27839871, 28611597, 27683935, 30544257, 33240831, 32102377, 32144935, 29976148, 33823469, 32877683, Elmasri2020[article])

Institute of Human Genetics, University of Leipzig Medical Center
Classification: Likely pathogenic for Landau-Kleffner syndrome. Last evaluated: 2019-01-01. Review status: criteria provided, single submitter. Criteria: ACMG Guidelines, 2015. Collection method: research. Allele origin: unknown. Affected: yes.

OMIM
Classification: Pathogenic for EPILEPSY, FOCAL, WITH SPEECH DISORDER AND WITH OR WITHOUT MENTAL RETARDATION. Last evaluated: 2013-09-01. Review status: no assertion criteria provided. Collection method: literature only. Allele origin: germline. Not counted in ClinVar's aggregate classification.

GeneReviews
No classification provided. Condition: Landau-Kleffner syndrome. Review status: no classification provided. Collection method: literature only. Allele origin: germline. Affected: yes. Not counted in ClinVar's aggregate classification.

Literature cited by the submitters: PubMed 23933820 (cited by 4 submitters); PubMed 24828792 (cited by 3 submitters); PubMed 30544257 (cited by Dasa and Institute of Human Genetics, University of Leipzig Medical Center); PubMed 27839871 (cited by Dasa and Labcorp Genetics (formerly Invitae), Labcorp); PubMed 28611597 (cited by Dasa); NCBI Bookshelf NBK385627 (cited by GeneReviews).

NM_001134407.3(GRIN2A):c.1553G>A (p.Arg518His)

Gene: GRIN2A (glutamate ionotropic receptor NMDA type subunit 2A; minus strand). Cytogenetic location: 16p13.2.
Variant type: single nucleotide variant.
Coding change: c.1553G>A on transcript NM_001134407.3 (MANE Select); coding-DNA position 1553, G replaced by A.
Protein change: p.Arg518His; replaces arginine 518 with histidine.
Molecular consequence: missense variant.
Genome position (GRCh38, 1-based): chr16:9,840,745, C>T on the plus strand (G>A on the coding strand, the complement: GRIN2A is on the minus strand). VCF-style: chr16-9840745-C-T. GRCh37 (hg19) VCF-style: chr16-9934602-C-T.
Other names: c.1553G>A, p.Arg518His (NM_000833.5, NM_001134408.2); short protein forms R518H.
Identifiers: ClinVar variation 88732 (VCV000088732.14), dbSNP rs397518470, ClinGen allele CA145318.